The following is an entry in ClinVar:

ClinVar aggregate classification (germline): Uncertain significance. Review status: criteria provided, multiple submitters, no conflicts (2 of 4 stars). 3 submissions from 3 submitters: Uncertain significance (3). Last evaluated 2023-09-20.

Conditions:
Cardiovascular phenotype. Identifiers: MedGen CN230736.
Desmin-related myofibrillar myopathy (MFM1). Also called: Myofibrillar myopathy 1; Desmin related myopathy (former name); Desmin storage myopathy (former name); Desminopathy; MYOFIBRILLAR MYOPATHY WITH ARRHYTHMOGENIC RIGHT VENTRICULAR CARDIOMYOPATHY; DESMIN-RELATED MYOPATHY WITH ARRHYTHMOGENIC RIGHT VENTRICULAR CARDIOMYOPATHY. Identifiers: Orphanet 363543, Orphanet 98909, MedGen C1832370, MONDO:0011076, OMIM 601419.

Allele frequency attached by ClinVar (database versions not stated): gnomAD exomes below 0.00001; gnomAD 0.00003.
gnomAD v4.1: 1 of 1,614,250 alleles (0.000062%); highest among the groups gnomAD compares: Non-Finnish European, 0.000085%; no homozygotes.

Submissions (3):

Ambry Genetics
Classification: Uncertain significance for Cardiovascular phenotype. Last evaluated: 2023-09-20. Review status: criteria provided, single submitter. Criteria: Ambry Variant Classification Scheme 2023. Collection method: clinical testing. Allele origin: germline.
Comment: The p.A213T variant (also known as c.637G>A), located in coding exon 2 of the DES gene, results from a G to A substitution at nucleotide position 637. The alanine at codon 213 is replaced by threonine, an amino acid with similar properties. This amino acid position is conserved. In addition, this alteration is predicted to be tolerated by in silico analysis. Since supporting evidence is limited at this time, the clinical significance of this alteration remains unclear.

Labcorp Genetics (formerly Invitae), Labcorp
Classification: Uncertain significance for Desmin-related myofibrillar myopathy. Last evaluated: 2022-11-08. Review status: criteria provided, single submitter. Criteria: Invitae Variant Classification Sherloc (09022015). Collection method: clinical testing. Allele origin: germline.
Comment: This variant is present in population databases (no rsID available, gnomAD 0.004%). This sequence change replaces alanine, which is neutral and non-polar, with threonine, which is neutral and polar, at codon 213 of the DES protein (p.Ala213Thr). This variant has not been reported in the literature in individuals affected with DES-related conditions. In summary, the available evidence is currently insufficient to determine the role of this variant in disease. Therefore, it has been classified as a Variant of Uncertain Significance. Algorithms developed to predict the effect of missense changes on protein structure and function (SIFT, PolyPhen-2, Align-GVGD) all suggest that this variant is likely to be tolerated. ClinVar contains an entry for this variant (Variation ID: 451514).

GeneDx
Classification: Uncertain significance. Last evaluated: 2017-08-28. Review status: criteria provided, single submitter. Criteria: GeneDx Variant Classification (06012015). Collection method: clinical testing. Allele origin: germline. Affected: yes.
Comment: A variant of uncertain significance has been identified in the DES gene. The A213T variant has not been published as pathogenic or been reported as benign to our knowledge. This variant is also not observed in large population cohorts (Lek et al., 2016; 1000 Genomes Consortium et al., 2015; Exome Variant Server). The A213T variant is a non-conservative amino acid substitution, which is likely to impact secondary protein structure as these residues differ in polarity, charge, size and/or other properties. Furthermore, this substitution occurs at a position that is conserved in mammals. Nevertheless, in silico analysis is inconsistent in its predictions as to whether or not the variant is damaging to the protein structure/function. Additionally, this variant has not been observed in a significant number of affected individuals, and it lacks both segregation and functional studies which would further clarify its pathogenicity.

NM_001927.4(DES):c.637G>A (p.Ala213Thr)

Gene: DES (desmin; plus strand). Cytogenetic location: 2q35.
Variant type: single nucleotide variant.
Coding change: c.637G>A on transcript NM_001927.4 (MANE Select); coding-DNA position 637, G replaced by A.
Protein change: p.Ala213Thr; replaces alanine 213 with threonine.
Molecular consequence: missense variant.
Genome position (GRCh38, 1-based): chr2:219,420,153, G>A. VCF-style: chr2-219420153-G-A. GRCh37 (hg19) VCF-style: chr2-220284875-G-A.
Other names: c.637G>A (LRG_380t1); short protein forms A213T.
Identifiers: ClinVar variation 451514 (VCV000451514.12), dbSNP rs918962036, ClinGen allele CA65982205.